The following is an entry in ClinVar:

NM_001369.3(DNAH5):c.2254A>G (p.Met752Val)

Genes: DNAH5 (dynein axonemal heavy chain 5; minus strand), DNAH5-AS1 (DNAH5 antisense RNA 1; plus strand). Cytogenetic location: 5p15.2.
Variant type: single nucleotide variant.
Coding change: c.2254A>G on transcript NM_001369.3 (MANE Select); coding-DNA position 2254, A replaced by G.
Protein change: p.Met752Val; replaces methionine 752 with valine.
Molecular consequence: missense variant.
Genome position (GRCh38, 1-based): chr5:13,900,211, T>C on the plus strand (A>G on the coding strand, the complement: DNAH5 is on the minus strand). VCF-style: chr5-13900211-T-C. GRCh37 (hg19) VCF-style: chr5-13900320-T-C.
Other names: short protein forms M752V.
Identifiers: ClinVar variation 1788486 (VCV001788486.2), dbSNP rs745899447, ClinGen allele CA113943011.

ClinVar aggregate classification (germline): Uncertain significance (1 of 4 stars; one submission).

Conditions:
Primary ciliary dyskinesia. Also called: Ciliary dyskinesia. Identifiers: Orphanet 244, MedGen C0008780, MONDO:0016575, HP:0012265.

Allele frequency attached by ClinVar (database versions not stated): TOPMed below 0.00001; gnomAD 0.00001; gnomAD exomes 0.00001.
gnomAD v4.1: 12 of 1,612,840 alleles (0.00074%); highest among the groups gnomAD compares: Admixed American, 0.0017%; no homozygotes.

Submission:

Ambry Genetics
Classification: Uncertain significance for Primary ciliary dyskinesia. Last evaluated: 2022-09-08. Review status: criteria provided, single submitter. Criteria: Ambry Variant Classification Scheme 2023. Collection method: clinical testing. Allele origin: germline.
Comment: The p.M752V variant (also known as c.2254A>G), located in coding exon 15 of the DNAH5 gene, results from an A to G substitution at nucleotide position 2254. The methionine at codon 752 is replaced by valine, an amino acid with highly similar properties. This amino acid position is conserved. In addition, this alteration is predicted to be tolerated by in silico analysis. Since supporting evidence is limited at this time, the clinical significance of this alteration remains unclear.